The following is an entry in ClinVar:

ClinVar aggregate classification (germline): Uncertain significance (1 of 4 stars; one submission).

Conditions:
Cognitive impairment - coarse facies - heart defects - obesity - pulmonary involvement - short stature - skeletal dysplasia syndrome. Also called: COGNITIVE IMPAIRMENT, COARSE FACIES, HEART DEFECTS, OBESITY, PULMONARY INVOLVEMENT, SHORT STATURE, AND SKELETAL DYSPLASIA; Chops syndrome; AFF4-Related CHOPS Syndrome. Identifiers: Orphanet 444077, MedGen C4085597, MONDO:0014609, OMIM 616368.

Submission:

Labcorp Genetics (formerly Invitae), Labcorp
Classification: Uncertain significance for Cognitive impairment - coarse facies - heart defects - obesity - pulmonary involvement - short stature - skeletal dysplasia syndrome. Last evaluated: 2025-08-20. Review status: criteria provided, single submitter. Criteria: Invitae Variant Classification Sherloc (09022015). Collection method: clinical testing. Allele origin: germline.
Comment: This sequence change replaces glutamine, which is neutral and polar, with leucine, which is neutral and non-polar, at codon 566 of the AFF4 protein (p.Gln566Leu). This variant is not present in population databases (gnomAD no frequency). This variant has not been reported in the literature in individuals affected with AFF4-related conditions. Invitae Evidence Modeling of protein sequence and biophysical properties (such as structural, functional, and spatial information, amino acid conservation, physicochemical variation, residue mobility, and thermodynamic stability) indicates that this missense variant is expected to disrupt AFF4 protein function with a positive predictive value of 80%. In summary, the available evidence is currently insufficient to determine the role of this variant in disease. Therefore, it has been classified as a Variant of Uncertain Significance.

NM_014423.4(AFF4):c.1697A>T (p.Gln566Leu)

Gene: AFF4 (ALF transcription elongation factor 4; minus strand). Cytogenetic location: 5q31.1.
Variant type: single nucleotide variant.
Coding change: c.1697A>T on transcript NM_014423.4 (MANE Select); coding-DNA position 1697, A replaced by T.
Protein change: p.Gln566Leu; replaces glutamine 566 with leucine.
Molecular consequence: missense variant.
Genome position (GRCh38, 1-based): chr5:132,896,933, T>A on the plus strand (A>T on the coding strand, the complement: AFF4 is on the minus strand). VCF-style: chr5-132896933-T-A. GRCh37 (hg19) VCF-style: chr5-132232625-T-A.
Other names: short protein forms Q566L.
Identifiers: ClinVar variation 4742710 (VCV004742710.1).